The following is an entry in ClinVar:

ClinVar aggregate classification (germline): Uncertain significance (1 of 4 stars; one submission).

Allele frequency attached by ClinVar (database versions not stated): gnomAD exomes below 0.00001; ExAC 0.00001.
gnomAD v4.1: 8 of 1,614,096 alleles (0.0005%); highest among the groups gnomAD compares: Non-Finnish European, 0.00068%; no homozygotes.

Submission:

Labcorp Genetics (formerly Invitae), Labcorp
Classification: Uncertain significance. Last evaluated: 2022-09-01. Review status: criteria provided, single submitter. Criteria: Invitae Variant Classification Sherloc (09022015). Collection method: clinical testing. Allele origin: germline.
Comment: In summary, the available evidence is currently insufficient to determine the role of this variant in disease. Therefore, it has been classified as a Variant of Uncertain Significance. Algorithms developed to predict the effect of missense changes on protein structure and function (SIFT, PolyPhen-2, Align-GVGD) all suggest that this variant is likely to be tolerated. ClinVar contains an entry for this variant (Variation ID: 1446841). This variant has not been reported in the literature in individuals affected with GTPBP2-related conditions. This variant is present in population databases (rs758544184, gnomAD 0.0009%). This sequence change replaces serine, which is neutral and polar, with alanine, which is neutral and non-polar, at codon 183 of the GTPBP2 protein (p.Ser183Ala).

NM_019096.5(GTPBP2):c.547T>G (p.Ser183Ala)

Gene: GTPBP2 (GTP binding protein 2; minus strand). Cytogenetic location: 6p21.1.
Variant type: single nucleotide variant.
Coding change: c.547T>G on transcript NM_019096.5 (MANE Select); coding-DNA position 547, T replaced by G.
Protein change: p.Ser183Ala; replaces serine 183 with alanine.
Molecular consequence: missense variant.
Genome position (GRCh38, 1-based): chr6:43,625,521, A>C on the plus strand (T>G on the coding strand, the complement: GTPBP2 is on the minus strand). VCF-style: chr6-43625521-A-C. GRCh37 (hg19) VCF-style: chr6-43593258-A-C.
Other names: c.283T>G, p.Ser95Ala (NM_001286216.2); short protein forms S95A, S183A.
Identifiers: ClinVar variation 1446841 (VCV001446841.7), dbSNP rs758544184, ClinGen allele CA3827746.
Genomic context (GRCh38, chr6:43,625,521, plus strand): 5'-GGCCCCGCCCATTGTCCAGCTCTCCCTGGGTCAGGACTCCAAGCAGAGTTGACTTCCCAG[A>C]GTCCACATTCCCCAGGACGGCCACACGGAGGTCTAGGAACTGTGGATGAATTGCCAGAGA-3'
Protein context (NP_061969.3, residues 173-193): LRVAVLGNVD[Ser183Ala]GKSTLLGVLT